The following is an entry in ClinVar:

ClinVar aggregate classification (germline): Uncertain significance (1 of 4 stars; one submission).

Conditions:
Diamond-Blackfan anemia. Also called: Blackfan Diamond syndrome; Aregenerative anemia chronic congenital; Red cell aplasia, pure hereditary; Congenital hypoplastic anemia; Aase syndrome. Identifiers: Orphanet 124, MedGen C1260899, MeSH D029503, MONDO:0015253, HP:0004810.

Submission:

Labcorp Genetics (formerly Invitae), Labcorp
Classification: Uncertain significance for Diamond-Blackfan anemia. Last evaluated: 2023-03-14. Review status: criteria provided, single submitter. Criteria: Invitae Variant Classification Sherloc (09022015). Collection method: clinical testing. Allele origin: germline.
Comment: This variant has not been reported in the literature in individuals affected with RPS10-related conditions. In summary, the available evidence is currently insufficient to determine the role of this variant in disease. Therefore, it has been classified as a Variant of Uncertain Significance. This variant is not present in population databases (gnomAD no frequency). This variant, c.289_294dup, results in the insertion of 2 amino acid(s) of the RPS10 protein (p.Ser97_Arg98dup), but otherwise preserves the integrity of the reading frame.

NM_001014.5(RPS10):c.289_294dup (p.Arg98_Pro99insSerArg)

Genes: RPS10 (ribosomal protein S10; minus strand), RPS10-NUDT3 (RPS10-NUDT3 readthrough; minus strand). Cytogenetic location: 6p21.31.
Variant type: Duplication.
Coding change: c.289_294dup on transcript NM_001014.5 (MANE Select); coding-DNA positions 289 to 294, 6 bases duplicated (AGCCGT; older notation c.289_294dupAGCCGT).
Protein change: p.Arg98_Pro99insSerArg.
Molecular consequence: inframe insertion.
Genome position (GRCh38, 1-based): chr6:34,424,697-34,424,702, ACGGCT duplicated on the plus strand (AGCCGT on the coding strand, the reverse complement: RPS10 is on the minus strand); duplicating any 6 consecutive bases within chr6:34,424,697-34,424,707 gives the same sequence; the c. name uses the placement nearest the transcript's 3' end. VCF-style (leftmost placement, unchanged base first): chr6-34424696-G-GACGGCT. GRCh37 (hg19) VCF-style: chr6-34392473-G-GACGGCT.
Other names: c.289_294dup, p.Arg98_Pro99insSerArg (NM_001202470.3, NM_001203245.3, NM_001204091.2).
Identifiers: ClinVar variation 2918516 (VCV002918516.3), dbSNP rs2533030406, ClinGen allele CA2678345721.